The following is an entry in ClinVar:

ClinVar aggregate classification (germline): Uncertain significance (1 of 4 stars; one submission).

gnomAD v4.1: 2 of 1,613,950 alleles (0.00012%); highest among the groups gnomAD compares: East Asian, 0.0022%; no homozygotes.

Submission:

Labcorp Genetics (formerly Invitae), Labcorp
Classification: Uncertain significance. Last evaluated: 2024-05-27. Review status: criteria provided, single submitter. Criteria: Invitae Variant Classification Sherloc (09022015). Collection method: clinical testing. Allele origin: germline.
Comment: This sequence change replaces aspartic acid, which is acidic and polar, with histidine, which is basic and polar, at codon 326 of the LIG1 protein (p.Asp326His). This variant is not present in population databases (gnomAD no frequency). This variant has not been reported in the literature in individuals affected with LIG1-related conditions. An algorithm developed to predict the effect of missense changes on protein structure and function (PolyPhen-2) suggests that this variant is likely to be disruptive. In summary, the available evidence is currently insufficient to determine the role of this variant in disease. Therefore, it has been classified as a Variant of Uncertain Significance.

NM_000234.3(LIG1):c.976G>C (p.Asp326His)

Gene: LIG1 (DNA ligase 1; minus strand). Cytogenetic location: 19q13.33.
Variant type: single nucleotide variant.
Coding change: c.976G>C on transcript NM_000234.3 (MANE Select); coding-DNA position 976, G replaced by C.
Protein change: p.Asp326His; replaces aspartic acid 326 with histidine.
Molecular consequence: missense variant. On other transcripts: non-coding transcript variant (6).
Genome position (GRCh38, 1-based): chr19:48,140,082, C>G on the plus strand (G>C on the coding strand, the complement: LIG1 is on the minus strand). VCF-style: chr19-48140082-C-G. GRCh37 (hg19) VCF-style: chr19-48643339-C-G.
Other names: c.883G>C, p.Asp295His (NM_001289063.2); c.772G>C, p.Asp258His (NM_001289064.2); c.973G>C, p.Asp325His (NM_001320970.2); c.886G>C, p.Asp296His (NM_001320971.2); short protein forms D258H, D295H, D325H, D296H, D326H.
Identifiers: ClinVar variation 3711361 (VCV003711361.2).